The following is an entry in ClinVar:

ClinVar aggregate classification (germline): Uncertain significance (1 of 4 stars; one submission).

Conditions:
Baller-Gerold syndrome (BGS). Also called: CRANIOSYNOSTOSIS WITH RADIAL DEFECTS. Identifiers: Orphanet 1225, MedGen C0265308, MONDO:0009039, OMIM 218600.

Allele frequency attached by ClinVar (database versions not stated): gnomAD exomes below 0.00001 and 0.00001; gnomAD 0.00002.
gnomAD v4.1: 8 of 1,610,698 alleles (0.0005%); highest among the groups gnomAD compares: African/African-American, 0.0053%; no homozygotes.

Submission:

Labcorp Genetics (formerly Invitae), Labcorp
Classification: Uncertain significance for Baller-Gerold syndrome. Last evaluated: 2023-10-09. Review status: criteria provided, single submitter. Criteria: Invitae Variant Classification Sherloc (09022015). Collection method: clinical testing. Allele origin: germline.
Comment: This sequence change falls in intron 13 of the RECQL4 gene. It does not directly change the encoded amino acid sequence of the RECQL4 protein. It affects a nucleotide within the consensus splice site. This variant is present in population databases (no rsID available, gnomAD 0.007%). This variant has not been reported in the literature in individuals affected with RECQL4-related conditions. ClinVar contains an entry for this variant (Variation ID: 1000137). Variants that disrupt the consensus splice site are a relatively common cause of aberrant splicing (PMID: 17576681, 9536098). Algorithms developed to predict the effect of sequence changes on RNA splicing suggest that this variant is not likely to affect RNA splicing. In summary, the available evidence is currently insufficient to determine the role of this variant in disease. Therefore, it has been classified as a Variant of Uncertain Significance.

Literature cited by the submitters: PubMed 17576681; PubMed 9536098.

NM_004260.4(RECQL4):c.2200+3G>A

Gene: RECQL4 (RecQ like helicase 4; minus strand). Cytogenetic location: 8q24.3.
Variant type: single nucleotide variant.
Coding change: c.2200+3G>A on transcript NM_004260.4 (MANE Select); 3 bases into the intron after coding-DNA position 2200, G replaced by A.
Molecular consequence: intron variant.
Genome position (GRCh38, 1-based): chr8:144,513,568, C>T on the plus strand (G>A on the coding strand, the complement: RECQL4 is on the minus strand). VCF-style: chr8-144513568-C-T. GRCh37 (hg19) VCF-style: chr8-145738952-C-T.
Identifiers: ClinVar variation 1000137 (VCV001000137.5), dbSNP rs1436956816, ClinGen allele CA586165281.